The following is an entry in ClinVar:

ClinVar aggregate classification (germline): Uncertain significance (1 of 4 stars; one submission).

Conditions:
Spongy degeneration of central nervous system. Also called: ACY2 DEFICIENCY; AMINOACYLASE 2 DEFICIENCY; ASP DEFICIENCY; ASPA DEFICIENCY; ASPARTOACYLASE DEFICIENCY; CANAVAN-VAN BOGAERT-BERTRAND DISEASE. Identifiers: Orphanet 141, MedGen C0206307, MONDO:0010079, OMIM 271900.

Allele frequency attached by ClinVar (database versions not stated): TOPMed below 0.00001; gnomAD 0.00001.
gnomAD v4.1: 4 of 1,613,152 alleles (0.00025%); highest among the groups gnomAD compares: Non-Finnish European, 0.00034%; no homozygotes.

Submission:

Labcorp Genetics (formerly Invitae), Labcorp
Classification: Uncertain significance for Spongy degeneration of central nervous system. Last evaluated: 2022-02-03. Review status: criteria provided, single submitter. Criteria: Invitae Variant Classification Sherloc (09022015). Collection method: clinical testing. Allele origin: germline.
Comment: This sequence change replaces methionine, which is neutral and non-polar, with isoleucine, which is neutral and non-polar, at codon 198 of the ASPA protein (p.Met198Ile). This variant is not present in population databases (gnomAD no frequency). This variant has not been reported in the literature in individuals affected with ASPA-related conditions. Advanced modeling of protein sequence and biophysical properties (such as structural, functional, and spatial information, amino acid conservation, physicochemical variation, residue mobility, and thermodynamic stability) performed at Invitae indicates that this missense variant is not expected to disrupt ASPA protein function. In summary, the available evidence is currently insufficient to determine the role of this variant in disease. Therefore, it has been classified as a Variant of Uncertain Significance.

NM_000049.4(ASPA):c.594G>A (p.Met198Ile)

Genes: ASPA (aspartoacylase; plus strand), SPATA22 (spermatogenesis associated 22; minus strand). Cytogenetic location: 17p13.2.
Variant type: single nucleotide variant.
Coding change: c.594G>A on transcript NM_000049.4 (MANE Select); coding-DNA position 594, G replaced by A.
Protein change: p.Met198Ile; replaces methionine 198 with isoleucine.
Molecular consequence: missense variant. On other transcripts: intron variant (2).
Genome position (GRCh38, 1-based): chr17:3,489,302, G>A. VCF-style: chr17-3489302-G-A. GRCh37 (hg19) VCF-style: chr17-3392596-G-A.
Other names: c.594G>A, p.Met198Ile (NM_001128085.1); c.-73-19904C>T (NM_001321336.2, NM_001321337.2); short protein forms M198I.
Identifiers: ClinVar variation 1981604 (VCV001981604.1), dbSNP rs1380767447, ClinGen allele CA397684582.